The following is an entry in ClinVar:

NM_001353345.2(SETD1B):c.175-6C>T

Gene: SETD1B (SET domain containing 1B, histone lysine methyltransferase; plus strand). Cytogenetic location: 12q24.31.
Variant type: single nucleotide variant.
Coding change: c.175-6C>T on transcript NM_001353345.2 (MANE Select); 6 bases into the intron before coding-DNA position 175, C replaced by T.
Molecular consequence: intron variant.
Genome position (GRCh38, 1-based): chr12:121,805,112, C>T. VCF-style: chr12-121805112-C-T. GRCh37 (hg19) VCF-style: chr12-122243018-C-T.
Identifiers: ClinVar variation 1675518 (VCV001675518.34), dbSNP rs547750226, ClinGen allele CA6838749.

ClinVar aggregate classification (germline): Benign/Likely benign. Review status: criteria provided, multiple submitters, no conflicts (2 of 4 stars). 2 submissions from 2 submitters: Benign (1); Likely benign (1). Last evaluated 2024-11-25.

Allele frequency attached by ClinVar (database versions not stated): gnomAD exomes 0.00209 and 0.00131; 1000 Genomes Project 0.00040; 1000 Genomes Project 30x 0.00047; ExAC 0.00061; TOPMed 0.00113; gnomAD 0.00124 and 0.00130.
gnomAD v4.1: 3,086 of 1,551,492 alleles (0.2%); highest among the groups gnomAD compares: Non-Finnish European, 0.24%; 5 homozygotes.

Submissions (2):

Blueprint Genetics
Classification: Likely benign. Last evaluated: 2024-11-25. Review status: criteria provided, single submitter. Criteria: ACMG Guidelines, 2015. Collection method: clinical testing. Allele origin: germline.

CeGaT Center for Human Genetics Tuebingen
Classification: Benign. Last evaluated: 2022-03-01. Review status: criteria provided, single submitter. Criteria: CeGaT Center For Human Genetics Tuebingen Variant Classification Criteria Version 2. Collection method: clinical testing. Allele origin: germline. Affected: yes. Observed: 2 variant alleles.
Comment: SETD1B: BS1, BS2